The following is an entry in ClinVar:

NM_032447.5(FBN3):c.5842C>T (p.Leu1948Phe)

Gene: FBN3 (fibrillin 3; minus strand). Cytogenetic location: 19p13.2.
Variant type: single nucleotide variant.
Coding change: c.5842C>T on transcript NM_032447.5 (MANE Select); coding-DNA position 5842, C replaced by T.
Protein change: p.Leu1948Phe; replaces leucine 1948 with phenylalanine.
Molecular consequence: missense variant.
Genome position (GRCh38, 1-based): chr19:8,094,509, G>A on the plus strand (C>T on the coding strand, the complement: FBN3 is on the minus strand). VCF-style: chr19-8094509-G-A. GRCh37 (hg19) VCF-style: chr19-8159393-G-A.
Other names: c.5842C>T, p.Leu1948Phe (NM_001321431.2); short protein forms L1948F.
Identifiers: ClinVar variation 2593134 (VCV002593134.6), dbSNP rs748194139, ClinGen allele CA9151520.

ClinVar aggregate classification (germline): Uncertain significance. Review status: criteria provided, multiple submitters, no conflicts (2 of 4 stars). 2 submissions from 2 submitters: Uncertain significance (2). Last evaluated 2025-08-11.

gnomAD v4.1: 4 of 1,614,046 alleles (0.00025%); highest among the groups gnomAD compares: South Asian, 0.0011%; no homozygotes.

Submissions (2):

Ambry Genetics
Classification: Uncertain significance. Last evaluated: 2025-08-11. Review status: criteria provided, single submitter. Criteria: Ambry Variant Classification Scheme 2023. Collection method: clinical testing. Allele origin: germline.

Labcorp Genetics (formerly Invitae), Labcorp
Classification: Uncertain significance. Last evaluated: 2024-10-23. Review status: criteria provided, single submitter. Criteria: Invitae Variant Classification Sherloc (09022015). Collection method: clinical testing. Allele origin: germline.
Comment: This sequence change replaces leucine, which is neutral and non-polar, with phenylalanine, which is neutral and non-polar, at codon 1948 of the FBN3 protein (p.Leu1948Phe). This variant is present in population databases (rs748194139, gnomAD 0.003%). This variant has not been reported in the literature in individuals affected with FBN3-related conditions. ClinVar contains an entry for this variant (Variation ID: 2593134). Invitae Evidence Modeling of protein sequence and biophysical properties (such as structural, functional, and spatial information, amino acid conservation, physicochemical variation, residue mobility, and thermodynamic stability) has been performed for this missense variant. However, the output from this modeling did not meet the statistical confidence thresholds required to predict the impact of this variant on FBN3 protein function. In summary, the available evidence is currently insufficient to determine the role of this variant in disease. Therefore, it has been classified as a Variant of Uncertain Significance.